The following is an entry in ClinVar:

ClinVar aggregate classification (germline): Uncertain significance (1 of 4 stars; one submission).

Submission:

Labcorp Genetics (formerly Invitae), Labcorp
Classification: Uncertain significance. Last evaluated: 2021-06-05. Review status: criteria provided, single submitter. Criteria: Invitae Variant Classification Sherloc (09022015). Collection method: clinical testing. Allele origin: germline.
Comment: This sequence change replaces serine with leucine at codon 829 of the LZTR1 protein (p.Ser829Leu). The serine residue is highly conserved and there is a large physicochemical difference between serine and leucine. This variant is not present in population databases (ExAC no frequency). This variant has not been reported in the literature in individuals with LZTR1-related conditions. Algorithms developed to predict the effect of missense changes on protein structure and function (SIFT, PolyPhen-2, Align-GVGD) all suggest that this variant is likely to be tolerated, but these predictions have not been confirmed by published functional studies and their clinical significance is uncertain. In summary, the available evidence is currently insufficient to determine the role of this variant in disease. Therefore, it has been classified as a Variant of Uncertain Significance.

NM_006767.4(LZTR1):c.2486C>T (p.Ser829Leu)

Gene: LZTR1 (leucine zipper like post translational regulator 1; plus strand). Cytogenetic location: 22q11.21.
Variant type: single nucleotide variant.
Coding change: c.2486C>T on transcript NM_006767.4 (MANE Select); coding-DNA position 2486, C replaced by T.
Protein change: p.Ser829Leu; replaces serine 829 with leucine.
Molecular consequence: missense variant.
Genome position (GRCh38, 1-based): chr22:20,997,311, C>T. VCF-style: chr22-20997311-C-T. GRCh37 (hg19) VCF-style: chr22-21351600-C-T.
Other names: short protein forms S829L.
Identifiers: ClinVar variation 1484332 (VCV001484332.8), dbSNP rs2147971051, ClinGen allele CA410781841.